The following is an entry in ClinVar:

NM_182961.4(SYNE1):c.4008+16T>C

Gene: SYNE1 (spectrin repeat containing nuclear envelope protein 1; minus strand). Cytogenetic location: 6q25.2.
Variant type: single nucleotide variant.
Coding change: c.4008+16T>C on transcript NM_182961.4 (MANE Select); 16 bases into the intron after coding-DNA position 4008, T replaced by C.
Molecular consequence: intron variant.
Genome position (GRCh38, 1-based): chr6:152,442,059, A>G on the plus strand (T>C on the coding strand, the complement: SYNE1 is on the minus strand). VCF-style: chr6-152442059-A-G. GRCh37 (hg19) VCF-style: chr6-152763194-A-G.
Other names: c.4029+16T>C (NM_033071.5).
Identifiers: ClinVar variation 511888 (VCV000511888.5), dbSNP rs763851876, ClinGen allele CA4058678.

ClinVar aggregate classification (germline): Likely benign. Review status: criteria provided, multiple submitters, no conflicts (2 of 4 stars). 2 submissions from 2 submitters: Likely benign (2). Last evaluated 2025-10-07.

Conditions:
Emery-Dreifuss muscular dystrophy 4, autosomal dominant (EDMD4). Also called: EMERY-DREIFUSS MUSCULAR DYSTROPHY 4 WITH VARIABLE FEATURES. Identifiers: Orphanet 261, MedGen C2751807, MONDO:0013071, OMIM 612998.
Autosomal recessive ataxia, Beauce type. Also called: SYNE1 Deficiency; Spinocerebellar ataxia, autosomal recessive 8; ATAXIA, RECESSIVE, OF BEAUCE; SYNE1-Related Autosomal Recessive Cerebellar Ataxia. Identifiers: Orphanet 88644, MedGen C1853116, MONDO:0012549, OMIM 610743.

Allele frequency attached by ClinVar (database versions not stated): gnomAD exomes below 0.00001 and 0.00001; ExAC 0.00001; gnomAD 0.00002 and 0.00003.
gnomAD v4.1: 8 of 1,613,860 alleles (0.0005%); highest among the groups gnomAD compares: Middle Eastern, 0.017%; no homozygotes.

Submissions (2):

Labcorp Genetics (formerly Invitae), Labcorp
Classification: Likely benign for Emery-Dreifuss muscular dystrophy 4, autosomal dominant; Autosomal recessive ataxia, Beauce type. Last evaluated: 2025-10-07. Review status: criteria provided, single submitter. Criteria: Invitae Variant Classification Sherloc (09022015). Collection method: clinical testing. Allele origin: germline.

GeneDx
Classification: Likely benign. Last evaluated: 2017-09-06. Review status: criteria provided, single submitter. Criteria: GeneDx Variant Classification (06012015). Collection method: clinical testing. Allele origin: germline. Affected: yes.
Comment: This variant is considered likely benign or benign based on one or more of the following criteria: it is a conservative change, it occurs at a poorly conserved position in the protein, it is predicted to be benign by multiple in silico algorithms, and/or has population frequency not consistent with disease.